The following is an entry in ClinVar:

NM_153240.5(NPHP3):c.171C>T (p.Pro57=)

Genes: NPHP3 (nephrocystin 3; minus strand), NPHP3-ACAD11 (NPHP3-ACAD11 readthrough (NMD candidate); minus strand), NPHP3-AS1 (NPHP3 antisense RNA 1; plus strand), LOC129937586 (ATAC-STARR-seq lymphoblastoid silent region 14743; plus strand). Cytogenetic location: 3q22.1.
Variant type: single nucleotide variant.
Coding change: c.171C>T on transcript NM_153240.5 (MANE Select); coding-DNA position 171, C replaced by T.
Protein change: p.Pro57=; no amino-acid change (proline 57 retained).
Molecular consequence: synonymous variant. On other transcripts: non-coding transcript variant (3).
Genome position (GRCh38, 1-based): chr3:132,722,185, G>A on the plus strand (C>T on the coding strand, the complement: NPHP3 is on the minus strand). VCF-style: chr3-132722185-G-A. GRCh37 (hg19) VCF-style: chr3-132441029-G-A.
Identifiers: ClinVar variation 1131430 (VCV001131430.33), dbSNP rs778581370, ClinGen allele CA2622693.
Genomic context (GRCh38, chr3:132,722,185, plus strand): 5'-AGTGGACTTGAAGCTGGCCCCCAGCAGCCCGCCCGCGCCCACCCCGCGGGGCAGCGACCC[G>A]GGCCCGGCCCCTGCTGCCGCCCCCGCGCCTCGGCGGAACGAGTTGCGCAGCAGGCGGGCC-3'
Protein context (NP_694972.3, residues 47-67): RGAGAAAGAG[Pro57=]GSLPRGVGAG

ClinVar aggregate classification (germline): Likely benign. Review status: criteria provided, multiple submitters, no conflicts (2 of 4 stars). 2 submissions from 2 submitters: Likely benign (2). Last evaluated 2025-09-30.

Conditions:
Nephronophthisis. Also called: Juvenile Nephronophthisis. Identifiers: Orphanet 655, MedGen C0687120, MONDO:0019005, HP:0000090.

Allele frequency attached by ClinVar (database versions not stated): ExAC 0.00002; TOPMed 0.00004.
gnomAD v4.1: 77 of 1,511,494 alleles (0.0051%); highest among the groups gnomAD compares: Non-Finnish European, 0.0061%; no homozygotes.

Submissions (2):

Labcorp Genetics (formerly Invitae), Labcorp
Classification: Likely benign for Nephronophthisis. Last evaluated: 2025-09-30. Review status: criteria provided, single submitter. Criteria: Invitae Variant Classification Sherloc (09022015). Collection method: clinical testing. Allele origin: germline.

CeGaT Center for Human Genetics Tuebingen
Classification: Likely benign. Last evaluated: 2022-07-01. Review status: criteria provided, single submitter. Criteria: CeGaT Center For Human Genetics Tuebingen Variant Classification Criteria Version 2. Collection method: clinical testing. Allele origin: germline. Affected: yes. Observed: 1 variant allele.
Comment: NPHP3: BP4, BP7